The following is an entry in ClinVar:

NM_001244008.2(KIF1A):c.2976A>G (p.Ser992=)

Gene: KIF1A (kinesin family member 1A; minus strand). Cytogenetic location: 2q37.3.
Variant type: single nucleotide variant.
Coding change: c.2976A>G on transcript NM_001244008.2 (MANE Select); coding-DNA position 2976, A replaced by G.
Protein change: p.Ser992=; no amino-acid change (serine 992 retained).
Molecular consequence: synonymous variant.
Genome position (GRCh38, 1-based): chr2:240,750,430, T>C on the plus strand (A>G on the coding strand, the complement: KIF1A is on the minus strand). VCF-style: chr2-240750430-T-C. GRCh37 (hg19) VCF-style: chr2-241689847-T-C.
Other names: c.2700A>G, p.Ser900= (NM_001320705.2, NM_001330289.2, NM_001379638.1); c.2775A>G, p.Ser925= (NM_001330290.2, NM_001379634.1, NM_001379635.1 and 1 more transcripts); c.3051A>G, p.Ser1017= (NM_001379631.1); c.2925A>G, p.Ser975= (NM_001379632.1); c.2949A>G, p.Ser983= (NM_001379633.1, NM_001379642.1, NM_001379645.1); c.2673A>G, p.Ser891= (NM_001379636.1, NM_001379639.1, NM_001379640.1 and 6 more transcripts); c.2748A>G, p.Ser916= (NM_001379637.1, NM_001379648.1).
Identifiers: ClinVar variation 852799 (VCV000852799.14), dbSNP rs2049077964, ClinGen allele CA432031601.

ClinVar aggregate classification (germline): Uncertain significance. Review status: criteria provided, multiple submitters, no conflicts (2 of 4 stars). 4 submissions from 4 submitters: Uncertain significance (4). Last evaluated 2024-07-08.

Conditions:
Hereditary spastic paraplegia 30. Identifiers: Orphanet 101010, MedGen C5235139, MONDO:0012476.
Neuropathy, hereditary sensory, type 2C. Also called: KIF1A-Related HSAN2 (HSAN2C); Hereditary sensory and autonomic neuropathy type IIC. Identifiers: Orphanet 970, MedGen C3280168, MONDO:0013634, OMIM 614213.
Intellectual disability, autosomal dominant 9 (NESCAVS). Also called: KIF1A-Related Neurodevelopmental Disorder; NESCAV SYNDROME. Identifiers: Orphanet 662367, MedGen C5393830, MONDO:0013656, OMIM 614255.

Allele frequency attached by ClinVar (database versions not stated): gnomAD exomes below 0.00001; gnomAD 0.00001; TOPMed 0.00001.
gnomAD v4.1: 6 of 1,610,178 alleles (0.00037%); highest among the groups gnomAD compares: Non-Finnish European, 0.00051%; no homozygotes.

Submissions (4):

Women's Health and Genetics/Laboratory Corporation of America, LabCorp
Classification: Uncertain significance. Last evaluated: 2024-07-08. Review status: criteria provided, single submitter. Criteria: LabCorp Variant Classification Summary - May 2015. Collection method: clinical testing. Allele origin: germline.
Comment: Variant summary: KIF1A c.2673A>G (p.Ser891Ser) alters a conserved nucleotide located close to a canonical splice site and therefore could affect mRNA splicing, leading to a significantly altered protein sequence. Several computational tools predict a significant impact on normal splicing: Four predict the variant weakens a 5' donor site. However, these predictions have yet to be confirmed by functional studies. The variant was absent in 247822 control chromosomes (gnomAD). The available data on variant occurrences in the general population are insufficient to allow any conclusion about variant significance. To our knowledge, no occurrence of c.2673A>G in individuals affected with NESCAV Syndrome and no experimental evidence demonstrating its impact on protein function have been reported. ClinVar contains an entry for this variant (Variation ID: 852799). Based on the evidence outlined above, the variant was classified as uncertain significance.

Labcorp Genetics (formerly Invitae), Labcorp
Classification: Uncertain significance for Hereditary spastic paraplegia 30; Neuropathy, hereditary sensory, type 2C; Intellectual disability, autosomal dominant 9. Last evaluated: 2024-01-19. Review status: criteria provided, single submitter. Criteria: Invitae Variant Classification Sherloc (09022015). Collection method: clinical testing. Allele origin: germline.
Comment: This sequence change affects codon 891 of the KIF1A mRNA. It is a 'silent' change, meaning that it does not change the encoded amino acid sequence of the KIF1A protein. It affects a nucleotide within the consensus splice site. This variant is not present in population databases (gnomAD no frequency). This variant has not been reported in the literature in individuals affected with KIF1A-related conditions. ClinVar contains an entry for this variant (Variation ID: 852799). Algorithms developed to predict the effect of sequence changes on RNA splicing suggest that this variant is not likely to affect RNA splicing. In summary, the available evidence is currently insufficient to determine the role of this variant in disease. Therefore, it has been classified as a Variant of Uncertain Significance.

GeneDx
Classification: Uncertain significance. Last evaluated: 2021-11-19. Review status: criteria provided, single submitter. Criteria: GeneDx Variant Classification Process June 2021. Collection method: clinical testing. Allele origin: germline. Affected: yes.
Comment: Not observed in large population cohorts (Lek et al., 2016); In silico analysis supports that this variant does not alter splicing; Has not been previously published as pathogenic or benign to our knowledge

Blueprint Genetics
Classification: Uncertain significance. Last evaluated: 2021-09-29. Review status: criteria provided, single submitter. Criteria: ACMG Guidelines, 2015. Collection method: clinical testing. Allele origin: germline.